The following is an entry in ClinVar:

NM_003052.5(SLC34A1):c.1187C>G (p.Pro396Arg)

Gene: SLC34A1 (solute carrier family 34 member 1; plus strand). Cytogenetic location: 5q35.3.
Variant type: single nucleotide variant.
Coding change: c.1187C>G on transcript NM_003052.5 (MANE Select); coding-DNA position 1187, C replaced by G.
Protein change: p.Pro396Arg; replaces proline 396 with arginine.
Molecular consequence: missense variant.
Genome position (GRCh38, 1-based): chr5:177,396,745, C>G. VCF-style: chr5-177396745-C-G. GRCh37 (hg19) VCF-style: chr5-176823746-C-G.
Other names: short protein forms P396R.
Identifiers: ClinVar variation 3377519 (VCV003377519.1).
Genomic context (GRCh38, chr5:177,396,745, plus strand): 5'-AATGTCCCCGCTCTGACCCCAGCCTGCTGGGATGCGGTTTCCTTGCAGACTTCCCTGCCC[C>G]CTTCACCTGGGTCACAGGCTACTTTGCCATGGTGGTGGGCGCCAGCATGACCTTCGTGGT-3'
Protein context (NP_003043.3, residues 386-406): QKVINTDFPA[Pro396Arg]FTWVTGYFAM

ClinVar aggregate classification (germline): Uncertain significance (1 of 4 stars; one submission).

Conditions:
Hypophosphatemic nephrolithiasis/osteoporosis 1. Identifiers: Orphanet 244305, MedGen C2676786, MONDO:0012850, OMIM 612286.

Submission:

Victorian Clinical Genetics Services, Murdoch Childrens Research Institute
Classification: Uncertain significance for Hypophosphatemic nephrolithiasis/osteoporosis 1. Last evaluated: 2022-06-24. Review status: criteria provided, single submitter. Criteria: ACMG Guidelines, 2015. Collection method: clinical testing. Allele origin: germline. Inheritance: Autosomal dominant inheritance. Affected: yes.
Comment: Based on the classification scheme VCGS_Germline_v1.3.4, this variant is classified as VUS-3B. Following criteria are met: 0102 - Loss of function is a known mechanism of disease in this gene and is associated with infantile hypercalcemia, 2 (MIM#616963) and nephrolithiasis/osteoporosis, hypophosphatemic, 1 (MIM#612286). (I) 0108 - This gene is associated with both recessive and dominant disease. There is currently no established genotype-phentype correlation in terms of variant types or location. Some authors have hypothesised that autosomal recessive is associated with an earlier age of onset (PMID: 31188746). (I) 0200 - Variant is predicted to result in a missense amino acid change from proline to arginine. (I) 0251 - This variant is heterozygous. (I) 0301 - Variant is absent from gnomAD (both v2 and v3). (SP) 0501 - Missense variant consistently predicted to be damaging by multiple in silico tools or highly conserved with a major amino acid change. (SP) 0604 - Variant is not located in an established domain, motif, hotspot or informative constraint region. (I) 0705 - No comparable missense variants have previous evidence for pathogenicity. (I) 0807 - This variant has no previous evidence of pathogenicity. (I) 0905 - No published segregation evidence has been identified for this variant. (I) 1007 - No published functional evidence has been identified for this variant. (I) 1208 - Inheritance information for this variant is not currently available in this individual. (I) Legend: (SP) - Supporting pathogenic, (I) - Information, (SB) - Supporting benign

Literature cited by the submitters: PubMed 31188746.